The following is an entry in ClinVar:

NM_001267550.2(TTN):c.26468C>T (p.Thr8823Met)

Gene: TTN (titin; minus strand). Cytogenetic location: 2q31.2.
Variant type: single nucleotide variant.
Coding change: c.26468C>T on transcript NM_001267550.2 (MANE Select); coding-DNA position 26468, C replaced by T.
Protein change: p.Thr8823Met; replaces threonine 8823 with methionine.
Molecular consequence: missense variant. On other transcripts: intron variant (3).
Genome position (GRCh38, 1-based): chr2:178,714,306, G>A on the plus strand (C>T on the coding strand, the complement: TTN is on the minus strand). VCF-style: chr2-178714306-G-A. GRCh37 (hg19) VCF-style: chr2-179579033-G-A.
Other names: c.25517C>T, p.Thr8506Met (NM_001256850.1); c.22736C>T, p.Thr7579Met (NM_133378.4); c.13282+23776C>T (NM_003319.4); c.13858+23776C>T (NM_133437.4); c.13657+23776C>T (NM_133432.3); short protein forms T8823M, T7579M, T8506M.
Identifiers: ClinVar variation 46781 (VCV000046781.34), dbSNP rs368151971, ClinGen allele CA139175.

ClinVar aggregate classification (germline): Conflicting classifications of pathogenicity. Review status: criteria provided, conflicting classifications (1 of 4 stars). 5 submissions from 5 submitters: Uncertain significance (2); Likely benign (3). Last evaluated 2025-10-01.

Conditions:
Cardiovascular phenotype. Identifiers: MedGen CN230736.
Dilated cardiomyopathy 1G (CMD1G). Identifiers: Orphanet 154, MedGen C1858763, MONDO:0011400, OMIM 604145.
Autosomal recessive limb-girdle muscular dystrophy type 2J (LGMDR10). Also called: Limb-girdle muscular dystrophy, type 2J; MUSCULAR DYSTROPHY, LIMB-GIRDLE, AUTOSOMAL RECESSIVE 10. Identifiers: Orphanet 140922, MedGen C1837342, MONDO:0012127, OMIM 608807.

Allele frequency attached by ClinVar (database versions not stated): ExAC 0.00002; TOPMed 0.00004; gnomAD 0.00006; ESP Exome Variant Server 0.00008; 1000 Genomes Project 30x 0.00016; 1000 Genomes Project 0.00020.
gnomAD v4.1: 32 of 1,612,478 alleles (0.002%); highest among the groups gnomAD compares: Middle Eastern, 0.017%; no homozygotes.

Submissions (5):

CeGaT Center for Human Genetics Tuebingen
Classification: Likely benign. Last evaluated: 2025-10-01. Review status: criteria provided, single submitter. Criteria: CeGaT Center For Human Genetics Tuebingen Variant Classification Criteria Version 2. Collection method: clinical testing. Allele origin: germline. Affected: yes. Observed: 3 variant alleles.
Comment: TTN: BP4

GeneDx
Classification: Likely benign. Last evaluated: 2020-07-31. Review status: criteria provided, single submitter. Criteria: GeneDx Variant Classification Process June 2021. Collection method: clinical testing. Allele origin: germline. Affected: yes.

Labcorp Genetics (formerly Invitae), Labcorp
Classification: Uncertain significance for Dilated cardiomyopathy 1G; Autosomal recessive limb-girdle muscular dystrophy type 2J. Last evaluated: 2018-01-02. Review status: criteria provided, single submitter. Criteria: Invitae Variant Classification Sherloc (09022015). Collection method: clinical testing. Allele origin: germline.

Laboratory for Molecular Medicine, Mass General Brigham Personalized Medicine
Classification: Likely benign. Last evaluated: 2015-04-03. Review status: criteria provided, single submitter. Criteria: LMM Criteria. Collection method: clinical testing. Allele origin: germline. Observed: 1 variant allele.
Comment: proposed classification - variant undergoing re-assessment, contact laboratory

Ambry Genetics
Classification: Uncertain significance for Cardiovascular phenotype. Last evaluated: 2013-01-13. Review status: criteria provided, single submitter. Criteria: Ambry Autosomal Dominant and X-Linked criteria (10/2015). Collection method: clinical testing. Allele origin: germline. Observed: 1 variant allele.
Comment: There is insufficient or conflicting evidence for classification of this alteration.